The following is an entry in ClinVar:

ClinVar aggregate classification (germline): Likely benign. Review status: criteria provided, multiple submitters, no conflicts (2 of 4 stars). 3 submissions from 3 submitters: Likely benign (3). Last evaluated 2026-03-20.

Conditions:
Adams-Oliver syndrome 5 (AOS5). Identifiers: Orphanet 974, MedGen C4014970, MONDO:0014459, OMIM 616028.

Allele frequency attached by ClinVar (database versions not stated): gnomAD 0.00003 and 0.00004; TOPMed 0.00014.
gnomAD v4.1: 14 of 1,612,998 alleles (0.00087%); highest among the groups gnomAD compares: Admixed American, 0.015%; no homozygotes.

Submissions (3):

Women's Health and Genetics/Laboratory Corporation of America, LabCorp
Classification: Likely benign. Last evaluated: 2026-03-20. Review status: criteria provided, single submitter. Criteria: LabCorp Variant Classification Summary - May 2015. Collection method: clinical testing. Allele origin: germline.

Labcorp Genetics (formerly Invitae), Labcorp
Classification: Likely benign for Adams-Oliver syndrome 5. Last evaluated: 2025-06-29. Review status: criteria provided, single submitter. Criteria: Invitae Variant Classification Sherloc (09022015). Collection method: clinical testing. Allele origin: germline.

GeneDx
Classification: Likely benign. Last evaluated: 2017-05-15. Review status: criteria provided, single submitter. Criteria: GeneDx Variant Classification (06012015). Collection method: clinical testing. Allele origin: germline. Affected: yes.
Comment: This variant is considered likely benign or benign based on one or more of the following criteria: it is a conservative change, it occurs at a poorly conserved position in the protein, it is predicted to be benign by multiple in silico algorithms, and/or has population frequency not consistent with disease.

NM_017617.5(NOTCH1):c.6083-15G>C

Genes: NOTCH1 (notch receptor 1; minus strand), LOC126860794 (BRD4-independent group 4 enhancer GRCh37_chr9:139392592-139393791; plus strand). Cytogenetic location: 9q34.3.
Variant type: single nucleotide variant.
Coding change: c.6083-15G>C on transcript NM_017617.5 (MANE Select); 15 bases into the intron before coding-DNA position 6083, G replaced by C.
Molecular consequence: intron variant.
Genome position (GRCh38, 1-based): chr9:136,499,011, C>G on the plus strand (G>C on the coding strand, the complement: NOTCH1 is on the minus strand). VCF-style: chr9-136499011-C-G. GRCh37 (hg19) VCF-style: chr9-139393463-C-G.
Other names: c.6083-15G>C (LRG_1122t1).
Identifiers: ClinVar variation 390637 (VCV000390637.7), dbSNP rs935662425, ClinGen allele CA16605771.
Genomic context (GRCh38, chr9:136,499,011, plus strand): 5'-GCATCCACATTGTTCACGGCGGCGGCCCAGTGCAGGGCGGACTTGCCTGCGTGAAAGAAG[C>G]AGATGGGGTAGGTTGGAGACCAGCTGGAGGCAACCCAGTCCCACCCGTCCCTGTGGCGGT-3'